The following is an entry in ClinVar:

NM_001242896.3(DEPDC5):c.2836T>C (p.Phe946Leu)

Gene: DEPDC5 (DEP domain containing 5, GATOR1 subcomplex subunit; plus strand). Cytogenetic location: 22q12.3.
Variant type: single nucleotide variant.
Coding change: c.2836T>C on transcript NM_001242896.3 (MANE Select); coding-DNA position 2836, T replaced by C.
Protein change: p.Phe946Leu; replaces phenylalanine 946 with leucine.
Molecular consequence: missense variant. On other transcripts: non-coding transcript variant (5).
Genome position (GRCh38, 1-based): chr22:31,845,052, T>C. VCF-style: chr22-31845052-T-C. GRCh37 (hg19) VCF-style: chr22-32241038-T-C.
Other names: c.2809T>C, p.Phe937Leu (NM_001136029.4, NM_001369903.1, NM_014662.6); c.2602T>C, p.Phe868Leu (NM_001242897.2, NM_001363854.2, NM_001364319.2); c.2836T>C, p.Phe946Leu (NM_001363852.2, NM_001364318.2, NM_001364320.2); c.2752T>C, p.Phe918Leu (NM_001369901.1, NM_001369902.1); short protein forms F868L, F918L, F937L, F946L.
Identifiers: ClinVar variation 1219151 (VCV001219151.8), dbSNP rs377335254, ClinGen allele CA10196815.

ClinVar aggregate classification (germline): Uncertain significance. Review status: criteria provided, multiple submitters, no conflicts (2 of 4 stars). 2 submissions from 2 submitters: Uncertain significance (2). Last evaluated 2022-02-27.

Conditions:
Familial focal epilepsy with variable foci (FPEVF). Identifiers: Orphanet 98820, MedGen C1858477, MONDO:0020310.

Allele frequency attached by ClinVar (database versions not stated): gnomAD exomes below 0.00001 and 0.00002; ExAC 0.00003; gnomAD 0.00005 and 0.00006; TOPMed 0.00006; ESP Exome Variant Server 0.00008.
gnomAD v4.1: 9 of 1,614,036 alleles (0.00056%); highest among the groups gnomAD compares: African/African-American, 0.012%; no homozygotes.

Submissions (2):

Labcorp Genetics (formerly Invitae), Labcorp
Classification: Uncertain significance for Familial focal epilepsy with variable foci. Last evaluated: 2022-02-27. Review status: criteria provided, single submitter. Criteria: Invitae Variant Classification Sherloc (09022015). Collection method: clinical testing. Allele origin: germline.
Comment: In summary, the available evidence is currently insufficient to determine the role of this variant in disease. Therefore, it has been classified as a Variant of Uncertain Significance. Algorithms developed to predict the effect of missense changes on protein structure and function are either unavailable or do not agree on the potential impact of this missense change (SIFT: "Tolerated"; PolyPhen-2: "Not Available"; Align-GVGD: "Class C0"). ClinVar contains an entry for this variant (Variation ID: 1219151). This variant has not been reported in the literature in individuals affected with DEPDC5-related conditions. This variant is present in population databases (rs377335254, gnomAD 0.02%). This sequence change replaces phenylalanine, which is neutral and non-polar, with leucine, which is neutral and non-polar, at codon 946 of the DEPDC5 protein (p.Phe946Leu).

GeneDx
Classification: Uncertain significance. Last evaluated: 2020-01-07. Review status: criteria provided, single submitter. Criteria: GeneDx Variant Classification Process June 2021. Collection method: clinical testing. Allele origin: germline. Affected: yes.
Comment: In silico analysis, which includes protein predictors and evolutionary conservation, supports that this variant does not alter protein structure/function; Has not been previously published as pathogenic or benign to our knowledge